The following is an entry in ClinVar:

NM_003000.3(SDHB):c.109C>G (p.Pro37Ala)

Gene: SDHB (succinate dehydrogenase complex iron sulfur subunit B; minus strand). Cytogenetic location: 1p36.13.
Variant type: single nucleotide variant.
Coding change: c.109C>G on transcript NM_003000.3 (MANE Select); coding-DNA position 109, C replaced by G.
Protein change: p.Pro37Ala; replaces proline 37 with alanine.
Molecular consequence: missense variant.
Genome position (GRCh38, 1-based): chr1:17,044,852, G>C on the plus strand (C>G on the coding strand, the complement: SDHB is on the minus strand). VCF-style: chr1-17044852-G-C. GRCh37 (hg19) VCF-style: chr1-17371347-G-C.
Other names: short protein forms P37A.
Identifiers: ClinVar variation 1361997 (VCV001361997.8), dbSNP rs761180960, ClinGen allele CA338228295.

ClinVar aggregate classification (germline): Uncertain significance (1 of 4 stars; one submission).

Conditions:
Pheochromocytoma. Also called: MAX-Related Hereditary Paraganglioma-Pheochromocytoma Syndrome. Identifiers: Orphanet 29072, MedGen C0031511, MONDO:0008233, OMIM 171300, HP:0002666.
Pheochromocytoma/paraganglioma syndrome 4. Also called: CAROTID BODY TUMORS AND MULTIPLE EXTRAADRENAL PHEOCHROMOCYTOMAS; PARAGANGLIOMA, FAMILIAL MALIGNANT; PARAGANGLIOMAS, HEREDITARY EXTRAADRENAL; PHEOCHROMOCYTOMA, FAMILIAL EXTRAADRENAL; Paragangliomas 4; SDHB-Related Hereditary Paraganglioma-Pheochromocytoma Syndrome (Paragangliomas 4). Identifiers: Orphanet 29072, MedGen C1861848, MONDO:0007273, OMIM 115310.
Gastrointestinal stromal tumor. Also called: Gastrointestinal stroma tumor; Gastrointestinal stromal tumor, somatic. Identifiers: Orphanet 44890, MedGen C0238198, MeSH D046152, MONDO:0011719, OMIM 606764, HP:0100723.

Submission:

Labcorp Genetics (formerly Invitae), Labcorp
Classification: Uncertain significance for Gastrointestinal stromal tumor; Pheochromocytoma/paraganglioma syndrome 4; Pheochromocytoma. Last evaluated: 2021-06-17. Review status: criteria provided, single submitter. Criteria: Invitae Variant Classification Sherloc (09022015). Collection method: clinical testing. Allele origin: germline.
Comment: This variant has not been reported in the literature in individuals with SDHB-related conditions. Advanced modeling of protein sequence and biophysical properties (such as structural, functional, and spatial information, amino acid conservation, physicochemical variation, residue mobility, and thermodynamic stability) performed at Invitae indicates that this missense variant is not expected to disrupt SDHB protein function. In summary, the available evidence is currently insufficient to determine the role of this variant in disease. Therefore, it has been classified as a Variant of Uncertain Significance. This variant is not present in population databases (ExAC no frequency). This sequence change replaces proline with alanine at codon 37 of the SDHB protein (p.Pro37Ala). The proline residue is moderately conserved and there is a small physicochemical difference between proline and alanine.